The following is an entry in ClinVar:

ClinVar aggregate classification (germline): Benign/Likely benign. Review status: criteria provided, multiple submitters, no conflicts (2 of 4 stars). 5 submissions from 5 submitters: Benign (1); Likely benign (2). 2 of the submissions do not count toward it. Last evaluated 2018-06-15.

Allele frequency attached by ClinVar (database versions not stated): 1000 Genomes Project 0.01278; gnomAD 0.03434 and 0.03306; ExAC 0.03629; TOPMed 0.03043; 1000 Genomes Project 30x 0.01343; ESP Exome Variant Server 0.03775; gnomAD exomes 0.03549.
gnomAD v4.1: 67,681 of 1,613,716 alleles (4.2%); highest among the groups gnomAD compares: Middle Eastern, 4.9%; 1,612 homozygotes.

Submissions (5):

GeneDx
Classification: Likely benign. Last evaluated: 2018-06-15. Review status: criteria provided, single submitter. Criteria: GeneDx Variant Classification (06012015). Collection method: clinical testing. Allele origin: germline. Affected: yes.
Comment: This variant is considered likely benign or benign based on one or more of the following criteria: it is a conservative change, it occurs at a poorly conserved position in the protein, it is predicted to be benign by multiple in silico algorithms, and/or has population frequency not consistent with disease.

Breakthrough Genomics
Classification: Likely benign. Review status: criteria provided, single submitter. Criteria: ACMG Guidelines, 2015. Collection method: not provided. Allele origin: germline. Inheritance: Autosomal recessive inheritance. Affected: yes.

PreventionGenetics, part of Exact Sciences
Classification: Benign. Review status: criteria provided, single submitter. Criteria: ACMG Guidelines, 2015. Collection method: clinical testing. Allele origin: germline.

Genome Diagnostics Laboratory, University Medical Center Utrecht
Classification: Benign. Review status: no assertion criteria provided. Collection method: clinical testing. Allele origin: germline. Affected: yes. Study: VKGL Data-share Consensus. Not counted in ClinVar's aggregate classification.

Joint Genome Diagnostic Labs from Nijmegen and Maastricht, Radboudumc and MUMC+
Classification: Benign. Review status: no assertion criteria provided. Collection method: clinical testing. Allele origin: germline. Affected: yes. Study: VKGL Data-share Consensus. Not counted in ClinVar's aggregate classification.

NM_001927.4(DES):c.736-35C>A

Gene: DES (desmin; plus strand). Cytogenetic location: 2q35.
Variant type: single nucleotide variant.
Coding change: c.736-35C>A on transcript NM_001927.4 (MANE Select); 35 bases into the intron before coding-DNA position 736, C replaced by A.
Molecular consequence: intron variant.
Genome position (GRCh38, 1-based): chr2:219,420,460, C>A. VCF-style: chr2-219420460-C-A. GRCh37 (hg19) VCF-style: chr2-220285182-C-A.
Other names: c.736-35C>A (LRG_380t1).
Identifiers: ClinVar variation 258492 (VCV000258492.6), dbSNP rs41272701, ClinGen allele CA2125147.